The following is an entry in ClinVar:

ClinVar aggregate classification (germline): Uncertain significance. Review status: criteria provided, multiple submitters, no conflicts (2 of 4 stars). 2 submissions from 2 submitters: Uncertain significance (2). Last evaluated 2025-12-10.

Allele frequency attached by ClinVar (database versions not stated): gnomAD exomes 0.00001; gnomAD 0.00003; TOPMed 0.00003; ExAC 0.00006; ESP Exome Variant Server 0.00008.
gnomAD v4.1: 25 of 1,613,498 alleles (0.0015%); highest among the groups gnomAD compares: Admixed American, 0.013%; no homozygotes.

Submissions (2):

Labcorp Genetics (formerly Invitae), Labcorp
Classification: Uncertain significance. Last evaluated: 2025-12-10. Review status: criteria provided, single submitter. Criteria: Invitae Variant Classification Sherloc (09022015). Collection method: clinical testing. Allele origin: germline.
Comment: This sequence change replaces proline, which is neutral and non-polar, with leucine, which is neutral and non-polar, at codon 1095 of the ZNF687 protein (p.Pro1095Leu). This variant is present in population databases (rs376641944, gnomAD 0.02%). This variant has not been reported in the literature in individuals affected with ZNF687-related conditions. ClinVar contains an entry for this variant (Variation ID: 2163754). An algorithm developed to predict the effect of missense changes on protein structure and function (PolyPhen-2) suggests that this variant is likely to be disruptive. In summary, the available evidence is currently insufficient to determine the role of this variant in disease. Therefore, it has been classified as a Variant of Uncertain Significance.

Ambry Genetics
Classification: Uncertain significance. Last evaluated: 2025-04-01. Review status: criteria provided, single submitter. Criteria: Ambry Variant Classification Scheme 2023. Collection method: clinical testing. Allele origin: germline.

NM_020832.3(ZNF687):c.3284C>T (p.Pro1095Leu)

Gene: ZNF687 (zinc finger protein 687; plus strand). Cytogenetic location: 1q21.3.
Variant type: single nucleotide variant.
Coding change: c.3284C>T on transcript NM_020832.3 (MANE Select); coding-DNA position 3284, C replaced by T.
Protein change: p.Pro1095Leu; replaces proline 1095 with leucine.
Molecular consequence: missense variant.
Genome position (GRCh38, 1-based): chr1:151,290,779, C>T. VCF-style: chr1-151290779-C-T. GRCh37 (hg19) VCF-style: chr1-151263255-C-T.
Other names: c.3284C>T (NM_020832.1); c.3284C>T, p.Pro1095Leu (NM_001304763.2, NM_001304764.2); short protein forms P1095L.
Identifiers: ClinVar variation 2163754 (VCV002163754.5), dbSNP rs376641944, ClinGen allele CA1088835.